The following is an entry in ClinVar:

ClinVar aggregate classification (germline): Uncertain significance. Review status: criteria provided, multiple submitters, no conflicts (2 of 4 stars). 2 submissions from 2 submitters: Uncertain significance (2). Last evaluated 2024-04-19.

Submissions (2):

GeneDx
Classification: Uncertain significance. Last evaluated: 2024-04-19. Review status: criteria provided, single submitter. Criteria: GeneDx Variant Classification Process June 2021. Collection method: clinical testing. Allele origin: germline. Affected: yes.
Comment: Not observed at significant frequency in large population cohorts (gnomAD); In silico analysis indicates that this missense variant does not alter protein structure/function; Has not been previously published as pathogenic or benign to our knowledge

Labcorp Genetics (formerly Invitae), Labcorp
Classification: Uncertain significance. Last evaluated: 2022-09-21. Review status: criteria provided, single submitter. Criteria: Invitae Variant Classification Sherloc (09022015). Collection method: clinical testing. Allele origin: germline.
Comment: This sequence change replaces lysine, which is basic and polar, with arginine, which is basic and polar, at codon 581 of the DDX3X protein (p.Lys581Arg). This variant is not present in population databases (gnomAD no frequency). This variant has not been reported in the literature in individuals affected with DDX3X-related conditions. Algorithms developed to predict the effect of missense changes on protein structure and function are either unavailable or do not agree on the potential impact of this missense change (SIFT: "Tolerated"; PolyPhen-2: "Not Available"; Align-GVGD: "Class C0"). In summary, the available evidence is currently insufficient to determine the role of this variant in disease. Therefore, it has been classified as a Variant of Uncertain Significance.

NM_001356.5(DDX3X):c.1742A>G (p.Lys581Arg)

Gene: DDX3X (DEAD-box helicase 3 X-linked; plus strand). Cytogenetic location: Xp11.4.
Variant type: single nucleotide variant.
Coding change: c.1742A>G on transcript NM_001356.5 (MANE Select); coding-DNA position 1742, A replaced by G.
Protein change: p.Lys581Arg; replaces lysine 581 with arginine.
Molecular consequence: missense variant. On other transcripts: non-coding transcript variant (1).
Genome position (GRCh38, 1-based): chrX:41,346,985, A>G. VCF-style: chrX-41346985-A-G. GRCh37 (hg19) VCF-style: chrX-41206238-A-G.
Other names: c.1742A>G, p.Lys581Arg (NM_001193416.3); c.1694A>G, p.Lys565Arg (NM_001193417.3); c.1184A>G, p.Lys395Arg (NM_001363819.1); c.1742A>G (NM_001193416.1); short protein forms K395R, K565R, K581R.
Identifiers: ClinVar variation 1715060 (VCV001715060.6), dbSNP rs2519525877, ClinGen allele CA412778089.
Genomic context (GRCh38, chrX:41,346,985, plus strand): 5'-TTGAAGCTAAACAAGAAGTGCCGTCTTGGTTAGAAAACATGGCTTATGAACACCACTACA[A>G]GGGTAGCAGTCGTGGACGTTCTAAGAGGTGAGGTATAAATAGTATATAATGAGGGGAATG-3'
Protein context (NP_001347.3, residues 571-591): LENMAYEHHY[Lys581Arg]GSSRGRSKSS